The following is an entry in ClinVar:

ClinVar aggregate classification (germline): Uncertain significance (1 of 4 stars; one submission).

Conditions:
Inborn genetic diseases. Identifiers: MedGen C0950123, MeSH D030342.

gnomAD v4.1: 2 of 1,614,178 alleles (0.00012%); highest among the groups gnomAD compares: African/African-American, 0.0013%; no homozygotes.

Submission:

Ambry Genetics
Classification: Uncertain significance for Inborn genetic diseases. Last evaluated: 2023-11-06. Review status: criteria provided, single submitter. Criteria: Ambry Variant Classification Scheme 2023. Collection method: clinical testing. Allele origin: germline.
Comment: The p.E284Q variant (also known as c.850G>C), located in coding exon 8 of the MDH2 gene, results from a G to C substitution at nucleotide position 850. The glutamic acid at codon 284 is replaced by glutamine, an amino acid with highly similar properties. This amino acid position is conserved. In addition, this alteration is predicted to be tolerated by in silico analysis. Since supporting evidence is limited at this time, the clinical significance of this alteration remains unclear.

NM_005918.4(MDH2):c.850G>C (p.Glu284Gln)

Gene: MDH2 (malate dehydrogenase 2; plus strand). Cytogenetic location: 7q11.23.
Variant type: single nucleotide variant.
Coding change: c.850G>C on transcript NM_005918.4 (MANE Select); coding-DNA position 850, G replaced by C.
Protein change: p.Glu284Gln; replaces glutamic acid 284 with glutamine.
Molecular consequence: missense variant.
Genome position (GRCh38, 1-based): chr7:76,064,918, G>C. VCF-style: chr7-76064918-G-C. GRCh37 (hg19) VCF-style: chr7-75694236-G-C.
Other names: c.724G>C, p.Glu242Gln (NM_001282403.2); c.529G>C, p.Glu177Gln (NM_001282404.2); short protein forms E177Q, E242Q, E284Q.
Identifiers: ClinVar variation 3225216 (VCV003225216.1), dbSNP rs2535873341, ClinGen allele CA367768715.
Genomic context (GRCh38, chr7:76,064,918, plus strand): 5'-GATGCAATGAATGGAAAGGAAGGTGTTGTGGAATGTTCCTTCGTTAAGTCACAGGAAACG[G>C]AATGTACCTACTTCTCCACACCGCTGCTGCTTGGGGTACGTATCCAGGCGTGGGTCCTTC-3'
Protein context (NP_005909.2, residues 274-294): ECSFVKSQET[Glu284Gln]CTYFSTPLLL